The following is an entry in ClinVar:

NM_014845.6(FIG4):c.658A>G (p.Ile220Val)

Gene: FIG4 (FIG4 phosphoinositide 5-phosphatase; plus strand). Cytogenetic location: 6q21.
Variant type: single nucleotide variant.
Coding change: c.658A>G on transcript NM_014845.6 (MANE Select); coding-DNA position 658, A replaced by G.
Protein change: p.Ile220Val; replaces isoleucine 220 with valine.
Molecular consequence: missense variant.
Genome position (GRCh38, 1-based): chr6:109,738,336, A>G. VCF-style: chr6-109738336-A-G. GRCh37 (hg19) VCF-style: chr6-110059539-A-G.
Other names: short protein forms I220V.
Identifiers: ClinVar variation 695179 (VCV000695179.19), dbSNP rs565096937, ClinGen allele CA3955878.

ClinVar aggregate classification (germline): Conflicting classifications of pathogenicity. Review status: criteria provided, conflicting classifications (1 of 4 stars). 6 submissions from 5 submitters: Uncertain significance (1); Benign (1); Likely benign (3). 1 of the submissions does not count toward it. Last evaluated 2025-10-08.

Conditions:
Charcot-Marie-Tooth disease. Also called: Charcot-Marie-Tooth Neuropathy; Charcot-Marie-Tooth Hereditary Neuropathy. Identifiers: Orphanet 166, MedGen C0007959, MONDO:0015626.
Charcot-Marie-Tooth disease type 4. Also called: Charcot-Marie-Tooth, Type 4; Charcot-Marie-Tooth disease, type IV. Identifiers: Orphanet 64749, MedGen C4082197, MONDO:0018995.
FIG4-related disorder. Also called: FIG4-related disorders; FIG4-related condition.
Amyotrophic lateral sclerosis type 11 (ALS11). Identifiers: Orphanet 803, MedGen C2675491, MONDO:0012945, OMIM 612577.
Inborn genetic diseases. Identifiers: MedGen C0950123, MeSH D030342.
Charcot-Marie-Tooth disease type 4J (CMT4J). Also called: CHARCOT-MARIE-TOOTH DISEASE, DEMYELINATING, TYPE 4J; Charcot-Marie-Tooth Neuropathy Type 4J; CHARCOT-MARIE-TOOTH DISEASE, AUTOSOMAL RECESSIVE, TYPE 4J. Identifiers: Orphanet 139515, MedGen C1970011, MONDO:0012640, OMIM 611228.

Allele frequency attached by ClinVar (database versions not stated): gnomAD 0.00006 and 0.00009; gnomAD exomes 0.00007 and 0.00030; TOPMed 0.00009; ExAC 0.00029; 1000 Genomes Project 30x 0.00031; 1000 Genomes Project 0.00040.
gnomAD v4.1: 110 of 1,605,368 alleles (0.0069%); highest among the groups gnomAD compares: East Asian, 0.24%; no homozygotes.

Submissions (6):

Labcorp Genetics (formerly Invitae), Labcorp
Classification: Likely benign for Charcot-Marie-Tooth disease type 4. Last evaluated: 2025-10-08. Review status: criteria provided, single submitter. Criteria: Invitae Variant Classification Sherloc (09022015). Collection method: clinical testing. Allele origin: germline.

Ambry Genetics
Classification: Likely benign for Inborn genetic diseases. Last evaluated: 2021-03-17. Review status: criteria provided, single submitter. Criteria: Ambry Variant Classification Scheme 2023. Collection method: clinical testing. Allele origin: germline.

Illumina Laboratory Services, Illumina
Classification: Likely benign for Charcot-Marie-Tooth disease type 4J. Last evaluated: 2018-01-13. Review status: criteria provided, single submitter. Criteria: ICSL Variant Classification Criteria 13 December 2019. Collection method: clinical testing. Allele origin: germline.
Comment: This variant was observed in the ICSL laboratory as part of a predisposition screen in an ostensibly healthy population. It had not been previously curated by ICSL or reported in the Human Gene Mutation Database (HGMD: prior to June 1st, 2018), and was therefore a candidate for classification through an automated scoring system. Utilizing variant allele frequency, disease prevalence and penetrance estimates, and inheritance mode, an automated score was calculated to assess if this variant is too frequent to cause the disease. Based on the score and internal cut-off values, a variant classified as likely benign is not then subjected to further curation. The score for this variant resulted in a classification of likely benign for this disease.

Illumina Laboratory Services, Illumina
Classification: Benign for Amyotrophic lateral sclerosis type 11. Last evaluated: 2018-01-13. Review status: criteria provided, single submitter. Criteria: ICSL Variant Classification Criteria 13 December 2019. Collection method: clinical testing. Allele origin: germline.
Comment: This variant was observed in the ICSL laboratory as part of a predisposition screen in an ostensibly healthy population. It had not been previously curated by ICSL or reported in the Human Gene Mutation Database (HGMD: prior to June 1st, 2018), and was therefore a candidate for classification through an automated scoring system. Utilizing variant allele frequency, disease prevalence and penetrance estimates, and inheritance mode, an automated score was calculated to assess if this variant is too frequent to cause the disease. Based on the score and internal cut-off values, a variant classified as benign is not then subjected to further curation. The score for this variant resulted in a classification of benign for this disease.

Molecular Genetics Laboratory, London Health Sciences Centre
Classification: Uncertain significance for Charcot-Marie-Tooth disease. Review status: criteria provided, single submitter. Criteria: ACMG Guidelines, 2015. Collection method: clinical testing. Allele origin: germline. Affected: yes.

PreventionGenetics, part of Exact Sciences
Classification: Likely benign for FIG4-related condition. Last evaluated: 2024-01-04. Review status: no assertion criteria provided. Collection method: clinical testing. Allele origin: germline. Not counted in ClinVar's aggregate classification.
Comment: This variant is classified as likely benign based on ACMG/AMP sequence variant interpretation guidelines (Richards et al. 2015 PMID: 25741868, with internal and published modifications).